The following is an entry in ClinVar:

ClinVar aggregate classification (germline): Uncertain significance. Review status: criteria provided, multiple submitters, no conflicts (2 of 4 stars). 3 submissions from 3 submitters: Uncertain significance (2). 1 of the submissions does not count toward it. Last evaluated 2025-10-14.

Conditions:
Inborn genetic diseases. Identifiers: MedGen C0950123, MeSH D030342.
Mucolipidosis type IV (ML4). Also called: ML IV. Identifiers: Orphanet 578, MedGen C0238286, MONDO:0009653, OMIM 252650.

Allele frequency attached by ClinVar (database versions not stated): gnomAD 0.00001; gnomAD exomes 0.00001 and 0.00004; TOPMed 0.00002; ExAC 0.00005; ESP Exome Variant Server 0.00008.

Submissions (3):

Ambry Genetics
Classification: Uncertain significance for Inborn genetic diseases. Last evaluated: 2025-10-14. Review status: criteria provided, single submitter. Criteria: Ambry Variant Classification Scheme 2023. Collection method: clinical testing. Allele origin: germline.

Labcorp Genetics (formerly Invitae), Labcorp
Classification: Uncertain significance for Mucolipidosis type IV. Last evaluated: 2022-03-18. Review status: criteria provided, single submitter. Criteria: Invitae Variant Classification Sherloc (09022015). Collection method: clinical testing. Allele origin: germline.
Comment: This sequence change replaces arginine, which is basic and polar, with glutamine, which is neutral and polar, at codon 338 of the MCOLN1 protein (p.Arg338Gln). This variant is present in population databases (rs368837514, gnomAD 0.03%). This variant has not been reported in the literature in individuals affected with MCOLN1-related conditions. ClinVar contains an entry for this variant (Variation ID: 459177). Algorithms developed to predict the effect of missense changes on protein structure and function output the following: SIFT: "Tolerated"; PolyPhen-2: "Benign"; Align-GVGD: "Class C0". The glutamine amino acid residue is found in multiple mammalian species, which suggests that this missense change does not adversely affect protein function. In summary, the available evidence is currently insufficient to determine the role of this variant in disease. Therefore, it has been classified as a Variant of Uncertain Significance.

Natera, Inc.
Classification: Uncertain significance for Mucolipidosis type IV. Last evaluated: 2018-05-01. Review status: no assertion criteria provided. Collection method: clinical testing. Allele origin: germline. Not counted in ClinVar's aggregate classification.

NM_020533.3(MCOLN1):c.1013G>A (p.Arg338Gln)

Gene: MCOLN1 (mucolipin TRP cation channel 1; plus strand). Cytogenetic location: 19p13.2.
Variant type: single nucleotide variant.
Coding change: c.1013G>A on transcript NM_020533.3 (MANE Select); coding-DNA position 1013, G replaced by A.
Protein change: p.Arg338Gln; replaces arginine 338 with glutamine.
Molecular consequence: missense variant.
Genome position (GRCh38, 1-based): chr19:7,528,849, G>A. VCF-style: chr19-7528849-G-A. GRCh37 (hg19) VCF-style: chr19-7593735-G-A.
Other names: short protein forms R338Q.
Identifiers: ClinVar variation 459177 (VCV000459177.6), dbSNP rs368837514, ClinGen allele CA9139001.